The following is an entry in ClinVar:

NM_001128840.3(CACNA1D):c.1343T>C (p.Ile448Thr)

Gene: CACNA1D (calcium voltage-gated channel subunit alpha1 D; plus strand). Cytogenetic location: 3p21.1.
Variant type: single nucleotide variant.
Coding change: c.1343T>C on transcript NM_001128840.3 (MANE Select); coding-DNA position 1343, T replaced by C.
Protein change: p.Ile448Thr; replaces isoleucine 448 with threonine.
Molecular consequence: missense variant.
Genome position (GRCh38, 1-based): chr3:53,702,763, T>C. VCF-style: chr3-53702763-T-C. GRCh37 (hg19) VCF-style: chr3-53736790-T-C.
Other names: c.1343T>C, p.Ile448Thr (NM_000720.4, NM_001128839.3); short protein forms I448T.
Identifiers: ClinVar variation 4076740 (VCV004076740.1).
Genomic context (GRCh38, chr3:53,702,763, plus strand): 5'-AGCAGCAGCTGGAGGAGGATCTAAAGGGCTACTTGGATTGGATCACCCAAGCTGAGGACA[T>C]CGATCCGGAGAATGAGGAAGAAGGAGGAGAGGAAGGCAAACGAAATAGTATGTAGCGCCT-3'
Protein context (NP_001122312.1, residues 438-458): YLDWITQAED[Ile448Thr]DPENEEEGGE

ClinVar aggregate classification (germline): Uncertain significance (1 of 4 stars; one submission).

Submission:

GeneDx
Classification: Uncertain significance. Last evaluated: 2025-02-20. Review status: criteria provided, single submitter. Criteria: GeneDx Variant Classification Process June 2021. Collection method: clinical testing. Allele origin: germline. Affected: yes.
Comment: Not observed at significant frequency in large population cohorts (gnomAD); In silico analysis supports that this missense variant has a deleterious effect on protein structure/function; Has not been previously published as pathogenic or benign to our knowledge